The following is an entry in ClinVar:

ClinVar aggregate classification (germline): Pathogenic (1 of 4 stars; one submission).

Conditions:
Mucopolysaccharidosis, MPS-II (MPS2). Also called: Attenuated MPS (subtype; formerly known as mild MPS II); Severe MPS II; I2S deficiency; MPS 2; Hunter Syndrome; IDURONATE 2-SULFATASE DEFICIENCY. Identifiers: Orphanet 580, Orphanet 79388, MedGen C0026705, MONDO:0010674, OMIM 309900.

Submission:

Labcorp Genetics (formerly Invitae), Labcorp
Classification: Pathogenic for Mucopolysaccharidosis, MPS-II. Last evaluated: 2025-10-23. Review status: criteria provided, single submitter. Criteria: Invitae Variant Classification Sherloc (09022015). Collection method: clinical testing. Allele origin: germline.
Comment: This sequence change creates a premature translational stop signal (p.Tyr497Serfs*3) in the IDS gene. While this is not anticipated to result in nonsense mediated decay, it is expected to disrupt the last 54 amino acid(s) of the IDS protein. This variant is not present in population databases (gnomAD no frequency). This variant has not been reported in the literature in individuals affected with IDS-related conditions. This variant disrupts a region of the IDS protein in which other variant(s) (p.Gln531*) have been determined to be pathogenic (PMID: 7581397, 17091340). This suggests that this is a clinically significant region of the protein, and that variants that disrupt it are likely to be disease-causing. For these reasons, this variant has been classified as Pathogenic.

Literature cited by the submitters: PubMed 7581397; PubMed 17091340.

NM_000202.8(IDS):c.1489_1490insCTAA (p.Tyr497fs)

Gene: IDS (iduronate 2-sulfatase; minus strand). Cytogenetic location: Xq28.
Variant type: Insertion.
Coding change: c.1489_1490insCTAA on transcript NM_000202.8 (MANE Select); coding-DNA positions 1489 to 1490, CTAA inserted.
Protein change: p.Tyr497fs; shifts the reading frame from tyrosine 497.
Molecular consequence: frameshift variant.
Genome position: GRCh38 VCF-style: chrX-149482909-T-TTTAG. GRCh37 (hg19) VCF-style: chrX-148564440-T-TTTAG.
Other names: c.1219_1220insCTAA, p.Tyr407fs (NM_001166550.4); short protein forms Y497fs, Y407fs.
Identifiers: ClinVar variation 4728373 (VCV004728373.1).